The following is an entry in ClinVar:

NM_001374353.1(GLI2):c.120G>A (p.Ala40=)

Gene: GLI2 (GLI family zinc finger 2; plus strand). Cytogenetic location: 2q14.2.
Variant type: single nucleotide variant.
Coding change: c.120G>A on transcript NM_001374353.1 (MANE Select); coding-DNA position 120, G replaced by A.
Protein change: p.Ala40=; no amino-acid change (alanine 40 retained).
Molecular consequence: synonymous variant. On other transcripts: 5 prime UTR variant (1).
Genome position (GRCh38, 1-based): chr2:120,797,440, G>A. VCF-style: chr2-120797440-G-A. GRCh37 (hg19) VCF-style: chr2-121555016-G-A.
Other names: c.120G>A, p.Ala40= (NM_001371271.1, NM_005270.5); c.-150G>A (NM_001374354.1).
Identifiers: ClinVar variation 1621508 (VCV001621508.31), dbSNP rs202130125, ClinGen allele CA1851401.
Genomic context (GRCh38, chr2:120,797,440, plus strand): 5'-GGAGGCCGCTGGCTTCCCCGACCCGGGTAAAAAGGCCTCTCCTTTGGTGGTGGCTGCAGC[G>A]GCAGCAGCAGCGGTAGCTGCCCAAGGAGGTACTTTCTGTTTCGCACACTTGGAGGGCAGC-3'
Protein context (NP_001361282.1, residues 30-50): KKASPLVVAA[Ala40=]AAAAVAAQGV

ClinVar aggregate classification (germline): Likely benign. Review status: criteria provided, multiple submitters, no conflicts (2 of 4 stars). 2 submissions from 2 submitters: Likely benign (2). Last evaluated 2023-02-24.

Conditions:
Holoprosencephaly 9 (HPE9). Also called: HOLOPROSENCEPHALY WITH MICROPHTHALMIA AND FIRST BRANCHIAL ARCH ANOMALIES; PITUITARY ANOMALIES WITH HOLOPROSENCEPHALY-LIKE FEATURES. Identifiers: Orphanet 2162, MedGen C1835819, MONDO:0012563, OMIM 610829.
Postaxial polydactyly-anterior pituitary anomalies-facial dysmorphism syndrome. Also called: Culler-Jones syndrome. Identifiers: Orphanet 420584, MedGen C4014479, MONDO:0014369, OMIM 615849.

Allele frequency attached by ClinVar (database versions not stated): ExAC 0.00001; gnomAD 0.00001; TOPMed 0.00002; gnomAD exomes 0.00003.
gnomAD v4.1: 62 of 1,613,700 alleles (0.0038%); highest among the groups gnomAD compares: South Asian, 0.0044%; no homozygotes.

Submissions (2):

Labcorp Genetics (formerly Invitae), Labcorp
Classification: Likely benign for Postaxial polydactyly-anterior pituitary anomalies-facial dysmorphism syndrome; Holoprosencephaly 9. Last evaluated: 2023-02-24. Review status: criteria provided, single submitter. Criteria: Invitae Variant Classification Sherloc (09022015). Collection method: clinical testing. Allele origin: germline.

CeGaT Center for Human Genetics Tuebingen
Classification: Likely benign. Last evaluated: 2022-05-01. Review status: criteria provided, single submitter. Criteria: CeGaT Center For Human Genetics Tuebingen Variant Classification Criteria Version 2. Collection method: clinical testing. Allele origin: germline. Affected: yes. Observed: 1 variant allele.
Comment: GLI2: BP4, BP7